The following is an entry in ClinVar:

NM_000492.4(CFTR):c.1117-5A>G

Gene: CFTR (CF transmembrane conductance regulator; plus strand). Cytogenetic location: 7q31.2.
Variant type: single nucleotide variant.
Coding change: c.1117-5A>G on transcript NM_000492.4 (MANE Select); 5 bases into the intron before coding-DNA position 1117, A replaced by G.
Molecular consequence: intron variant.
Genome position (GRCh38, 1-based): chr7:117,542,011, A>G. VCF-style: chr7-117542011-A-G. GRCh37 (hg19) VCF-style: chr7-117182065-A-G.
Other names: 1249-5A->G.
Identifiers: ClinVar variation 53194 (VCV000053194.2), dbSNP rs397508161, ClinGen allele CA326409.

ClinVar aggregate classification (germline): Conflicting classifications of pathogenicity. Review status: criteria provided, conflicting classifications (1 of 4 stars). 2 submissions from 2 submitters: Pathogenic (1); Uncertain significance (1). Last evaluated 2022-09-05.

Conditions:
CFTR-related disorder (CFTR-RD). Also called: CFTR-related condition; CFTR-related disorders. Identifiers: MedGen C5924204, MONDO:7770004.
Cystic fibrosis (CF). Also called: MUCOVISCIDOSIS. Identifiers: Orphanet 586, MedGen C0010674, MONDO:0009061, OMIM 219700. Disease mechanism: loss of function.

Allele frequency attached by ClinVar (database versions not stated): ExAC 0.00001.

Submissions (2):

Institute of Human Genetics, University of Leipzig Medical Center
Classification: Uncertain significance for Cystic fibrosis. Last evaluated: 2022-09-05. Review status: criteria provided, single submitter. Criteria: ACMG Guidelines, 2015. Collection method: curation. Allele origin: unknown. Affected: yes. Observed: 1 variant allele.
Comment: The variant was classified in the context of a project re-classifying variants in the German Cystic Fibrosis Registry (Muko.e.V.). Criteria applied: PM2_SUP, PM3, PP3, PP4

CFTR-France
Classification: Pathogenic for cystic fibrosis; CFTR-related disorders. Last evaluated: 2018-01-29. Review status: criteria provided, single submitter. Criteria: Claustres M et al. (Hum Mutat 2017). Collection method: curation. Allele origin: germline. Affected: yes.
Comment: when the variant is in trans with another CF-causing variation, can either result in CF or in a CFTR-RD